The following is an entry in ClinVar:

NM_170665.4(ATP2A2):c.1083G>A (p.Met361Ile)

Gene: ATP2A2 (ATPase sarcoplasmic/endoplasmic reticulum Ca2+ transporting 2; plus strand). Cytogenetic location: 12q24.11.
Variant type: single nucleotide variant.
Coding change: c.1083G>A on transcript NM_170665.4 (MANE Select); coding-DNA position 1083, G replaced by A.
Protein change: p.Met361Ile; replaces methionine 361 with isoleucine.
Molecular consequence: missense variant.
Genome position (GRCh38, 1-based): chr12:110,328,005, G>A. VCF-style: chr12-110328005-G-A. GRCh37 (hg19) VCF-style: chr12-110765810-G-A.
Other names: c.978G>A, p.Met326Ile (NM_001413013.1); c.1083G>A, p.Met361Ile (NM_001413014.1, NM_001681.4); c.708G>A, p.Met236Ile (NM_001413015.1); short protein forms M236I, M326I, M361I.
Identifiers: ClinVar variation 5037227 (VCV005037227.1).
Genomic context (GRCh38, chr12:110,328,005, plus strand): 5'-CCTTGGTTGTACTTCTGTTATCTGCTCAGACAAGACTGGTACACTTACAACAAACCAGAT[G>A]TCAGTCTGCAGGGTAAGAGGAGTAATTTAGAATATTCCGTGTCGTGGTTCTTTGTTCATC-3'
Protein context (NP_733765.1, residues 351-371): DKTGTLTTNQ[Met361Ile]SVCRMFILDR

ClinVar aggregate classification (germline): Uncertain significance (1 of 4 stars; one submission).

Submission:

GeneDx
Classification: Uncertain significance. Last evaluated: 2026-04-16. Review status: criteria provided, single submitter. Criteria: GeneDx Variant Classification Process June 2021. Collection method: clinical testing. Allele origin: germline.
Comment: In silico analysis supports that this missense variant has a deleterious effect on protein structure/function; Not observed at significant frequency in large population cohorts (gnomAD); Has not been previously published as pathogenic or benign to our knowledge; Missense variants in this gene are a common cause of disease and they are underrepresented in the general population